The following is an entry in ClinVar:

NM_001197104.2(KMT2A):c.3799G>A (p.Val1267Ile)

Gene: KMT2A (lysine methyltransferase 2A; plus strand). Cytogenetic location: 11q23.3.
Variant type: single nucleotide variant.
Coding change: c.3799G>A on transcript NM_001197104.2 (MANE Select); coding-DNA position 3799, G replaced by A.
Protein change: p.Val1267Ile; replaces valine 1267 with isoleucine.
Molecular consequence: missense variant.
Genome position (GRCh38, 1-based): chr11:118,481,879, G>A. VCF-style: chr11-118481879-G-A. GRCh37 (hg19) VCF-style: chr11-118352594-G-A.
Other names: c.3799G>A, p.Val1267Ile (NM_005933.4); c.3799G>A (NM_001197104.1); short protein forms V1267I.
Identifiers: ClinVar variation 1674028 (VCV001674028.10), dbSNP rs376303494, ClinGen allele CA6303728.
Genomic context (GRCh38, chr11:118,481,879, plus strand): 5'-TCAGCAAGAGAGGATCCTGCCCCAAAGAAAAGCAGTAGTGAGCCTCCTCCACGAAAGCCC[G>A]TCGAGGAAAAGAGTGAAGAAGGGAATGTCTCGGCCCCTGGGCCTGAATCCAAACAGGCCA-3'
Protein context (NP_001184033.1, residues 1257-1277): SSSEPPPRKP[Val1267Ile]EEKSEEGNVS

ClinVar aggregate classification (germline): Benign/Likely benign. Review status: criteria provided, multiple submitters, no conflicts (2 of 4 stars). 3 submissions from 3 submitters: Benign (1); Likely benign (1). 1 of the submissions does not count toward it. Last evaluated 2026-01-26.

Conditions:
Inborn genetic diseases. Identifiers: MedGen C0950123, MeSH D030342.
KMT2A-related disorder. Also called: KMT2A-related condition.

Allele frequency attached by ClinVar (database versions not stated): gnomAD exomes 0.00002 and 0.00003; ExAC 0.00004; gnomAD 0.00004 and 0.00005; ESP Exome Variant Server 0.00008; TOPMed 0.00008.
gnomAD v4.1: 31 of 1,614,056 alleles (0.0019%); highest among the groups gnomAD compares: Admixed American, 0.02%; 1 homozygote.

Submissions (3):

Labcorp Genetics (formerly Invitae), Labcorp
Classification: Benign. Last evaluated: 2026-01-26. Review status: criteria provided, single submitter. Criteria: Invitae Variant Classification Sherloc (09022015). Collection method: clinical testing. Allele origin: germline.

Ambry Genetics
Classification: Likely benign for Inborn genetic diseases. Last evaluated: 2024-01-08. Review status: criteria provided, single submitter. Criteria: Ambry Variant Classification Scheme 2023. Collection method: clinical testing. Allele origin: germline.

PreventionGenetics, part of Exact Sciences
Classification: Likely benign for KMT2A-related condition. Last evaluated: 2024-08-13. Review status: no assertion criteria provided. Collection method: clinical testing. Allele origin: germline. Not counted in ClinVar's aggregate classification.
Comment: This variant is classified as likely benign based on ACMG/AMP sequence variant interpretation guidelines (Richards et al. 2015 PMID: 25741868, with internal and published modifications).